The following is an entry in ClinVar:

NM_002579.3(PALM):c.338C>T (p.Ala113Val)

Gene: PALM (paralemmin; plus strand). Cytogenetic location: 19p13.3.
Variant type: single nucleotide variant.
Coding change: c.338C>T on transcript NM_002579.3 (MANE Select); coding-DNA position 338, C replaced by T.
Protein change: p.Ala113Val; replaces alanine 113 with valine.
Molecular consequence: missense variant.
Genome position (GRCh38, 1-based): chr19:731,163, C>T. VCF-style: chr19-731163-C-T. GRCh37 (hg19) VCF-style: chr19-731163-C-T.
Other names: c.338C>T, p.Ala113Val (NM_001040134.2); short protein forms A113V.
Identifiers: ClinVar variation 1359128 (VCV001359128.8), dbSNP rs528324611, ClinGen allele CA9022530.

ClinVar aggregate classification (germline): Uncertain significance (1 of 4 stars; one submission).

Allele frequency attached by ClinVar (database versions not stated): gnomAD 0.00001 and 0.00003; gnomAD exomes 0.00002 and 0.00004; TOPMed 0.00002; ExAC 0.00004; 1000 Genomes Project 30x 0.00047; 1000 Genomes Project 0.00080.
gnomAD v4.1: 31 of 1,608,486 alleles (0.0019%); highest among the groups gnomAD compares: East Asian, 0.013%; no homozygotes.

Submission:

Labcorp Genetics (formerly Invitae), Labcorp
Classification: Uncertain significance. Last evaluated: 2022-07-19. Review status: criteria provided, single submitter. Criteria: Invitae Variant Classification Sherloc (09022015). Collection method: clinical testing. Allele origin: germline.
Comment: In summary, the available evidence is currently insufficient to determine the role of this variant in disease. Therefore, it has been classified as a Variant of Uncertain Significance. Algorithms developed to predict the effect of missense changes on protein structure and function output the following: SIFT: "Tolerated"; PolyPhen-2: "Benign"; Align-GVGD: "Class C0". The valine amino acid residue is found in multiple mammalian species, which suggests that this missense change does not adversely affect protein function. ClinVar contains an entry for this variant (Variation ID: 1359128). This variant has not been reported in the literature in individuals affected with PALM-related conditions. The frequency data for this variant in the population databases is considered unreliable, as metrics indicate poor data quality at this position in the gnomAD database. This sequence change replaces alanine, which is neutral and non-polar, with valine, which is neutral and non-polar, at codon 113 of the PALM protein (p.Ala113Val).